The following is an entry in ClinVar:

NM_001943.5(DSG2):c.2509G>A (p.Ala837Thr)

Genes: DSG2 (desmoglein 2; plus strand), DSG2-AS1 (DSG2 antisense RNA 1; minus strand). Cytogenetic location: 18q12.1.
Variant type: single nucleotide variant.
Coding change: c.2509G>A on transcript NM_001943.5 (MANE Select); coding-DNA position 2509, G replaced by A.
Protein change: p.Ala837Thr; replaces alanine 837 with threonine.
Molecular consequence: missense variant. On other transcripts: non-coding transcript variant (1).
Genome position (GRCh38, 1-based): chr18:31,545,895, G>A. VCF-style: chr18-31545895-G-A. GRCh37 (hg19) VCF-style: chr18-29125858-G-A.
Other names: short protein forms A837T.
Identifiers: ClinVar variation 926363 (VCV000926363.8), dbSNP rs2073302750, ClinGen allele CA402144744.

ClinVar aggregate classification (germline): Uncertain significance. Review status: criteria provided, multiple submitters, no conflicts (2 of 4 stars). 3 submissions from 3 submitters: Uncertain significance (3). Last evaluated 2024-10-09.

Conditions:
Cardiomyopathy (CMYO). Also called: Cardiomyopathies. Identifiers: Orphanet 167848, MedGen C0878544, MONDO:0004994, HP:0001638. Inheritance: Various modes of inheritance.
Arrhythmogenic right ventricular cardiomyopathy (ARVD). Also called: Arrhythmogenic cardiomyopathy; Cardiomyopathy, ARVC; Arrhythmogenic right ventricular dysplasia; Arrhythmogenic Right Ventricular Cardiomyopathy (ARVC). Identifiers: Orphanet 247, MedGen C0349788, MeSH D019571, MONDO:0016587. Disease mechanism: loss of function. Inheritance: Various modes of inheritance.
Cardiovascular phenotype. Identifiers: MedGen CN230736.

Allele frequency attached by ClinVar (database versions not stated): TOPMed below 0.00001.
gnomAD v4.1: 10 of 1,614,134 alleles (0.00062%); highest among the groups gnomAD compares: Non-Finnish European, 0.00076%; no homozygotes.

Submissions (3):

Ambry Genetics
Classification: Uncertain significance for Cardiovascular phenotype. Last evaluated: 2024-10-09. Review status: criteria provided, single submitter. Criteria: Ambry Variant Classification Scheme 2023. Collection method: clinical testing. Allele origin: germline.
Comment: The p.A837T variant (also known as c.2509G>A), located in coding exon 15 of the DSG2 gene, results from a G to A substitution at nucleotide position 2509. The alanine at codon 837 is replaced by threonine, an amino acid with similar properties. This amino acid position is conserved. In addition, this alteration is predicted to be deleterious by in silico analysis. Since supporting evidence is limited at this time, the clinical significance of this alteration remains unclear.

Color Diagnostics, LLC DBA Color Health
Classification: Uncertain significance for Cardiomyopathy. Last evaluated: 2024-03-07. Review status: criteria provided, single submitter. Criteria: ACMG Guidelines, 2015. Collection method: clinical testing. Allele origin: germline.
Comment: This missense variant replaces alanine with threonine at codon 837 of the DSG2 protein. Computational prediction is inconclusive regarding the impact of this variant on protein structure and function (internally defined REVEL score threshold 0.5 < inconclusive < 0.7, PMID: 27666373). Splice site prediction tools suggest that this variant may not impact RNA splicing. To our knowledge, functional studies have not been performed for this variant. This variant has not been reported in individuals affected with cardiovascular disorders in the literature. This variant has not been identified in the general population by the Genome Aggregation Database (gnomAD). The available evidence is insufficient to determine the role of this variant in disease conclusively. Therefore, this variant is classified as a Variant of Uncertain Significance.

All of Us Research Program, National Institutes of Health
Classification: Uncertain significance for Arrhythmogenic right ventricular cardiomyopathy. Last evaluated: 2023-04-27. Review status: criteria provided, single submitter. Criteria: ACMG Guidelines, 2015. Collection method: clinical testing. Allele origin: germline. Inheritance: Autosomal dominant inheritance. Observed: 1 variant allele, 1 heterozygote.
Comment: This missense variant replaces alanine with threonine at codon 837 of the DSG2 protein. Computational prediction is inconclusive regarding the impact of this variant on protein structure and function (internally defined REVEL score threshold 0.5 < inconclusive < 0.7, PMID: 27666373). Splice site prediction tools suggest that this variant may not impact RNA splicing. To our knowledge, functional studies have not been performed for this variant. This variant has not been reported in individuals affected with cardiovascular disorders in the literature. This variant has not been identified in the general population by the Genome Aggregation Database (gnomAD). The available evidence is insufficient to determine the role of this variant in disease conclusively. Therefore, this variant is classified as a Variant of Uncertain Significance.

This study involves interpretation of variants in research participants for the purpose of population health screening. Participant phenotype was not available at the time of variant classification. Additional details can be found in publication PMID: 35346344, PMCID: PMC8962531